The following is an entry in ClinVar:

ClinVar aggregate classification (germline): Likely benign. Review status: criteria provided, multiple submitters, no conflicts (2 of 4 stars). 3 submissions from 3 submitters: Likely benign (2). 1 of the submissions does not count toward it. Last evaluated 2018-03-30.

Conditions:
RREB1-related disorder. Also called: RREB1-related condition.

Allele frequency attached by ClinVar (database versions not stated): gnomAD exomes 0.00007 and 0.00015; ExAC 0.00026; gnomAD 0.00042 and 0.00045; TOPMed 0.00045; ESP Exome Variant Server 0.00062; 1000 Genomes Project 30x 0.00156; 1000 Genomes Project 0.00160.
gnomAD v4.1: 178 of 1,602,120 alleles (0.011%); highest among the groups gnomAD compares: African/African-American, 0.18%; no homozygotes.

Submissions (3):

Labcorp Genetics (formerly Invitae), Labcorp
Classification: Likely benign. Last evaluated: 2018-03-30. Review status: criteria provided, single submitter. Criteria: Invitae Variant Classification Sherloc (09022015). Collection method: clinical testing. Allele origin: germline.

Breakthrough Genomics
Classification: Likely benign. Review status: criteria provided, single submitter. Criteria: ACMG Guidelines, 2015. Collection method: not provided. Allele origin: germline. Inheritance: Unknown mechanism. Affected: yes.

PreventionGenetics, part of Exact Sciences
Classification: Likely benign for RREB1-related condition. Last evaluated: 2019-07-30. Review status: no assertion criteria provided. Collection method: clinical testing. Allele origin: germline. Not counted in ClinVar's aggregate classification.
Comment: This variant is classified as likely benign based on ACMG/AMP sequence variant interpretation guidelines (Richards et al. 2015 PMID: 25741868, with internal and published modifications).

NM_001003699.4(RREB1):c.2152C>T (p.Leu718=)

Gene: RREB1 (ras responsive element binding protein 1; plus strand). Cytogenetic location: 6p24.3.
Variant type: single nucleotide variant.
Coding change: c.2152C>T on transcript NM_001003699.4 (MANE Select); coding-DNA position 2152, C replaced by T.
Protein change: p.Leu718=; no amino-acid change (leucine 718 retained).
Molecular consequence: synonymous variant.
Genome position (GRCh38, 1-based): chr6:7,230,251, C>T. VCF-style: chr6-7230251-C-T. GRCh37 (hg19) VCF-style: chr6-7230484-C-T.
Other names: c.2152C>T, p.Leu718= (NM_001003698.4, NM_001003700.2, NM_001168344.2).
Identifiers: ClinVar variation 737560 (VCV000737560.6), dbSNP rs145121387, ClinGen allele CA3625724.